The following is an entry in ClinVar:

NM_003906.5(MCM3AP):c.5243G>A (p.Cys1748Tyr)

Genes: MCM3AP (minichromosome maintenance complex component 3 associated protein; minus strand), MCM3AP-AS1 (MCM3AP antisense RNA 1; plus strand). Cytogenetic location: 21q22.3.
Variant type: single nucleotide variant.
Coding change: c.5243G>A on transcript NM_003906.5 (MANE Select); coding-DNA position 5243, G replaced by A.
Protein change: p.Cys1748Tyr; replaces cysteine 1748 with tyrosine.
Molecular consequence: missense variant.
Genome position (GRCh38, 1-based): chr21:46,243,518, C>T on the plus strand (G>A on the coding strand, the complement: MCM3AP is on the minus strand). VCF-style: chr21-46243518-C-T. GRCh37 (hg19) VCF-style: chr21-47663432-C-T.
Other names: short protein forms C1748Y.
Identifiers: ClinVar variation 2014769 (VCV002014769.4), dbSNP rs2517310254, ClinGen allele CA410540078.
Genomic context (GRCh38, chr21:46,243,518, plus strand): 5'-TAATTACCTGATGTAACAGGAAGCCGGGGGGGCGTCCAGTCTCTCAGCTTGTGGTTGATA[C>T]ACAAGGCGATAAGATCATCCCATGGGATCTCCATGACCGAGGGGCCTGCCCCATGGACTG-3'
Protein context (NP_003897.2, residues 1738-1758): EIPWDDLIAL[Cys1748Tyr]INHKLRDWTP

ClinVar aggregate classification (germline): Uncertain significance (1 of 4 stars; one submission).

gnomAD v4.1: 3 of 1,614,160 alleles (0.00019%); highest among the groups gnomAD compares: African/African-American, 0.0013%; no homozygotes.

Submission:

Labcorp Genetics (formerly Invitae), Labcorp
Classification: Uncertain significance. Last evaluated: 2022-07-13. Review status: criteria provided, single submitter. Criteria: Invitae Variant Classification Sherloc (09022015). Collection method: clinical testing. Allele origin: germline.
Comment: This sequence change replaces cysteine, which is neutral and slightly polar, with tyrosine, which is neutral and polar, at codon 1748 of the MCM3AP protein (p.Cys1748Tyr). This variant is not present in population databases (gnomAD no frequency). This variant has not been reported in the literature in individuals affected with MCM3AP-related conditions. Algorithms developed to predict the effect of missense changes on protein structure and function (SIFT, PolyPhen-2, Align-GVGD) all suggest that this variant is likely to be disruptive. In summary, the available evidence is currently insufficient to determine the role of this variant in disease. Therefore, it has been classified as a Variant of Uncertain Significance.